The following is an entry in ClinVar:

ClinVar aggregate classification (germline): Uncertain significance (1 of 4 stars; one submission).

Conditions:
Hereditary breast ovarian cancer syndrome. Also called: Hereditary breast and ovarian cancer syndrome (HBOC); Hereditary breast and ovarian cancer; Breast and ovarian cancer; Hereditary breast and/or ovarian cancer syndrome; BRCA1- and BRCA2-Associated Hereditary Breast and Ovarian Cancer; Hereditary breast and ovarian cancer syndrome. Identifiers: Orphanet 145, MedGen C0677776, MeSH D061325, MONDO:0003582. Disease mechanism: loss of function.

Submission:

Labcorp Genetics (formerly Invitae), Labcorp
Classification: Uncertain significance for Hereditary breast ovarian cancer syndrome. Last evaluated: 2025-03-03. Review status: criteria provided, single submitter. Criteria: Invitae Variant Classification Sherloc (09022015). Collection method: clinical testing. Allele origin: germline.
Comment: This sequence change replaces leucine, which is neutral and non-polar, with valine, which is neutral and non-polar, at codon 2173 of the BRCA2 protein (p.Leu2173Val). This variant is not present in population databases (gnomAD no frequency). This variant has not been reported in the literature in individuals affected with BRCA2-related conditions. Invitae Evidence Modeling of protein sequence and biophysical properties (such as structural, functional, and spatial information, amino acid conservation, physicochemical variation, residue mobility, and thermodynamic stability) indicates that this missense variant is not expected to disrupt BRCA2 protein function with a negative predictive value of 95%. In summary, the available evidence is currently insufficient to determine the role of this variant in disease. Therefore, it has been classified as a Variant of Uncertain Significance.

NM_000059.4(BRCA2):c.6517C>G (p.Leu2173Val)

Gene: BRCA2 (BRCA2 DNA repair associated; plus strand). Cytogenetic location: 13q13.1.
Variant type: single nucleotide variant.
Coding change: c.6517C>G on transcript NM_000059.4 (MANE Select); coding-DNA position 6517, C replaced by G.
Protein change: p.Leu2173Val; replaces leucine 2173 with valine.
Molecular consequence: missense variant. On other transcripts: non-coding transcript variant (1), intron variant (2).
Genome position (GRCh38, 1-based): chr13:32,340,872, C>G. VCF-style: chr13-32340872-C-G. GRCh37 (hg19) VCF-style: chr13-32915009-C-G.
Other names: c.6517C>G, p.Leu2173Val (NM_001406719.1, NM_001406720.1, NM_001432077.1); c.1910-3686C>G (NM_001406721.1); c.425-3686C>G (NM_001406722.1); short protein forms L2173V.
Identifiers: ClinVar variation 4802327 (VCV004802327.1).